The following is an entry in ClinVar:

ClinVar aggregate classification (germline): Uncertain significance (1 of 4 stars; one submission).

gnomAD v4.1: 1 of 1,614,088 alleles (0.000062%); highest among the groups gnomAD compares: Non-Finnish European, 0.000085%; no homozygotes.

Submission:

GeneDx
Classification: Uncertain significance. Last evaluated: 2024-11-12. Review status: criteria provided, single submitter. Criteria: GeneDx Variant Classification Process June 2021. Collection method: clinical testing. Allele origin: germline. Affected: yes.
Comment: Not observed at significant frequency in large population cohorts (gnomAD); In silico analysis supports that this missense variant has a deleterious effect on protein structure/function; Has not been previously published as pathogenic or benign to our knowledge

NM_001297595.2(SIN3B):c.238C>G (p.Pro80Ala)

Gene: SIN3B (SIN3 transcription regulator family member B; plus strand). Cytogenetic location: 19p13.11.
Variant type: single nucleotide variant.
Coding change: c.238C>G on transcript NM_001297595.2 (MANE Select); coding-DNA position 238, C replaced by G.
Protein change: p.Pro80Ala; replaces proline 80 with alanine.
Molecular consequence: missense variant.
Genome position (GRCh38, 1-based): chr19:16,831,504, C>G. VCF-style: chr19-16831504-C-G. GRCh37 (hg19) VCF-style: chr19-16942315-C-G.
Other names: c.238C>G, p.Pro80Ala (NM_015260.4); short protein forms P80A.
Identifiers: ClinVar variation 3898833 (VCV003898833.1).
Genomic context (GRCh38, chr19:16,831,504, plus strand): 5'-TTTCATTTATTTCCCAAGACCCTTTTGCCCACTTCCGTTGTTTCTTCTAGCATCGATACT[C>G]CTGGAGTCATCAGACGTGTCTCGCAGCTCTTCCACGAGCACCCTGACCTCATTGTTGGAT-3'
Protein context (NP_001284524.1, residues 70-90): KEFKSQSIDT[Pro80Ala]GVIRRVSQLF